The following is an entry in ClinVar:

NM_001365088.1(SLC12A6):c.2023C>T (p.Arg675Ter)

Gene: SLC12A6 (solute carrier family 12 member 6; minus strand). Cytogenetic location: 15q14.
Variant type: single nucleotide variant.
Coding change: c.2023C>T on transcript NM_001365088.1 (MANE Select); coding-DNA position 2023, C replaced by T.
Protein change: p.Arg675Ter; replaces arginine 675 with a stop codon.
Molecular consequence: nonsense.
Genome position (GRCh38, 1-based): chr15:34,243,993, G>A on the plus strand (C>T on the coding strand, the complement: SLC12A6 is on the minus strand). VCF-style: chr15-34243993-G-A. GRCh37 (hg19) VCF-style: chr15-34536194-G-A.
Other names: c.1846C>T, p.Arg616Ter (NM_001042494.2, NM_001042495.2); c.1996C>T, p.Arg666Ter (NM_001042496.2); c.1978C>T, p.Arg660Ter (NM_001042497.2); c.1870C>T, p.Arg624Ter (NM_005135.2); c.2023C>T, p.Arg675Ter (NM_133647.2); short protein forms R675*, R624*, R616*, R660*, R666*.
Identifiers: ClinVar variation 5327 (VCV000005327.18), dbSNP rs121908428, ClinGen allele CA340402.

ClinVar aggregate classification (germline): Pathogenic. Review status: criteria provided, multiple submitters, no conflicts (2 of 4 stars). 8 submissions from 8 submitters: Pathogenic (3). 5 of the submissions do not count toward it. Last evaluated 2022-11-13.

Conditions:
SLC12A6-related disorder. Also called: SLC12A6-related condition.
Agenesis of the corpus callosum with peripheral neuropathy (ACCPN). Also called: HMSN/ACC; Hereditary Motor and Sensory Neuropathy with Agenesis of the Corpus Callosum; CHARLEVOIX DISEASE; POLYNEUROPATHY, SENSORIMOTOR, WITH OR WITHOUT AGENESIS OF THE CORPUS CALLOSUM. Identifiers: Orphanet 1496, MedGen C0795950, MONDO:0000902, OMIM 218000. Disease mechanism: loss of function.

Allele frequency attached by ClinVar (database versions not stated): gnomAD exomes below 0.00001.
gnomAD v4.1: 4 of 1,595,076 alleles (0.00025%); highest among the groups gnomAD compares: Non-Finnish European, 0.00034%; no homozygotes.

Submissions (8):

Labcorp Genetics (formerly Invitae), Labcorp
Classification: Pathogenic. Last evaluated: 2022-11-13. Review status: criteria provided, single submitter. Criteria: Invitae Variant Classification Sherloc (09022015). Collection method: clinical testing. Allele origin: germline.
Comment: For these reasons, this variant has been classified as Pathogenic. This sequence change creates a premature translational stop signal (p.Arg675*) in the SLC12A6 gene. It is expected to result in an absent or disrupted protein product. Loss-of-function variants in SLC12A6 are known to be pathogenic (PMID: 12368912, 16606917). This variant is not present in population databases (gnomAD no frequency). This premature translational stop signal has been observed in individual(s) with agenesis of the corpus callosum with peripheral neuropathy (PMID: 12368912). ClinVar contains an entry for this variant (Variation ID: 5327).

Genome-Nilou Lab
Classification: Pathogenic for Agenesis of the corpus callosum with peripheral neuropathy. Last evaluated: 2021-07-15. Review status: criteria provided, single submitter. Criteria: ACMG Guidelines, 2015. Collection method: clinical testing. Allele origin: germline. Affected: no.

Women's Health and Genetics/Laboratory Corporation of America, LabCorp
Classification: Pathogenic for Agenesis of the corpus callosum with peripheral neuropathy. Last evaluated: 2017-08-22. Review status: criteria provided, single submitter. Criteria: LabCorp Variant Classification Summary - May 2015. Collection method: clinical testing. Allele origin: germline.
Comment: Variant summary: The SLC12A6 c.2023C>T (p.Arg675X) variant results in a premature termination codon, predicted to cause a truncated or absent SLC12A6 protein due to nonsense mediated decay, which are commonly known mechanisms for disease. This variant is absent in 121074 control chromosomes. A publication cites the variant in two homozygous siblings affected witn Andermann Syndrome. In addition, multiple reputable databases classified this variant as pathogenic. Taken together, this variant is classified as pathogenic.

PreventionGenetics, part of Exact Sciences
Classification: Pathogenic for SLC12A6-related condition. Last evaluated: 2024-09-22. Review status: no assertion criteria provided. Collection method: clinical testing. Allele origin: germline. Not counted in ClinVar's aggregate classification.
Comment: The SLC12A6 c.2023C>T variant is predicted to result in premature protein termination (p.Arg675*). This variant was reported in the homozygous state in an individual with peripheral neuropathy associated with agenesis of the corpus callosum (ACCPN) and also in the heterozygous state in an unaffected sibling, indicating an autosomal recessive inheritance pattern (Howard et al. 2002. PubMed ID: 12368912). This variant has not been reported in gnomAD, indicating this variant is rare. This variant is interpreted as pathogenic in ClinVar. Nonsense variants in SLC12A6 are expected to be pathogenic. This variant is interpreted as pathogenic.

OMIM
Classification: Pathogenic for AGENESIS OF THE CORPUS CALLOSUM WITH PERIPHERAL NEUROPATHY. Last evaluated: 2002-11-01. Review status: no assertion criteria provided. Collection method: literature only. Allele origin: germline. Not counted in ClinVar's aggregate classification.

Clinical Genetics, Academic Medical Center
Classification: Pathogenic. Review status: no assertion criteria provided. Collection method: clinical testing. Allele origin: germline. Affected: yes. Study: VKGL Data-share Consensus. Not counted in ClinVar's aggregate classification.

Diagnostic Laboratory, Department of Genetics, University Medical Center Groningen
Classification: Likely pathogenic for Agenesis of the corpus callosum with peripheral neuropathy. Review status: no assertion criteria provided. Collection method: clinical testing. Allele origin: germline. Affected: yes. Study: VKGL Data-share Consensus. Not counted in ClinVar's aggregate classification.

GeneReviews
No classification provided. Condition: Agenesis of the corpus callosum with peripheral neuropathy. Review status: no classification provided. Collection method: literature only. Allele origin: germline. Affected: yes. Not counted in ClinVar's aggregate classification.

Literature cited by the submitters: PubMed 12368912 (cited by 3 submitters); PubMed 16606917 (cited by Labcorp Genetics (formerly Invitae), Labcorp); NCBI Bookshelf NBK1372 (cited by GeneReviews).